The following is an entry in ClinVar:

ClinVar aggregate classification (germline): Uncertain significance (1 of 4 stars; one submission).

Conditions:
Hereditary nonpolyposis colorectal neoplasms. Identifiers: MedGen C0009405, MeSH D003123.

Submission:

Labcorp Genetics (formerly Invitae), Labcorp
Classification: Uncertain significance for Hereditary nonpolyposis colorectal neoplasms. Last evaluated: 2023-12-09. Review status: criteria provided, single submitter. Criteria: Invitae Variant Classification Sherloc (09022015). Collection method: clinical testing. Allele origin: germline.
Comment: This sequence change replaces valine, which is neutral and non-polar, with phenylalanine, which is neutral and non-polar, at codon 1260 of the MSH6 protein (p.Val1260Phe). This variant is not present in population databases (gnomAD no frequency). This variant has not been reported in the literature in individuals affected with MSH6-related conditions. ClinVar contains an entry for this variant (Variation ID: 1513594). Advanced modeling of protein sequence and biophysical properties (such as structural, functional, and spatial information, amino acid conservation, physicochemical variation, residue mobility, and thermodynamic stability) performed at Invitae indicates that this missense variant is not expected to disrupt MSH6 protein function with a negative predictive value of 95%. In summary, the available evidence is currently insufficient to determine the role of this variant in disease. Therefore, it has been classified as a Variant of Uncertain Significance.

NM_000179.3(MSH6):c.3778G>T (p.Val1260Phe)

Gene: MSH6 (mutS homolog 6; plus strand). Cytogenetic location: 2p16.3.
Variant type: single nucleotide variant.
Coding change: c.3778G>T on transcript NM_000179.3 (MANE Select); coding-DNA position 3778, G replaced by T.
Protein change: p.Val1260Phe; replaces valine 1260 with phenylalanine.
Molecular consequence: missense variant.
Genome position (GRCh38, 1-based): chr2:47,806,335, G>T. VCF-style: chr2-47806335-G-T. GRCh37 (hg19) VCF-style: chr2-48033474-G-T.
Other names: c.3388G>T, p.Val1130Phe (NM_001281492.2); c.2872G>T, p.Val958Phe (NM_001281493.2, NM_001281494.2); short protein forms V1130F, V1260F, V958F.
Identifiers: ClinVar variation 1513594 (VCV001513594.8), dbSNP rs63750673, ClinGen allele CA346761148.